The following is an entry in ClinVar:

ClinVar aggregate classification (germline): Uncertain significance (1 of 4 stars; one submission).

Conditions:
Capillary malformation-arteriovenous malformation syndrome. Also called: Capillary malformation-arteriovenous malformation. Identifiers: Orphanet 137667, MedGen C1842180, MONDO:0012016.

Submission:

Labcorp Genetics (formerly Invitae), Labcorp
Classification: Uncertain significance for Capillary malformation-arteriovenous malformation syndrome. Last evaluated: 2022-12-02. Review status: criteria provided, single submitter. Criteria: Invitae Variant Classification Sherloc (09022015). Collection method: clinical testing. Allele origin: germline.
Comment: This sequence change falls in intron 19 of the RASA1 gene. It does not directly change the encoded amino acid sequence of the RASA1 protein. It affects a nucleotide within the consensus splice site. In summary, the available evidence is currently insufficient to determine the role of this variant in disease. Therefore, it has been classified as a Variant of Uncertain Significance. Variants that disrupt the consensus splice site are a relatively common cause of aberrant splicing (PMID: 17576681, 9536098). Algorithms developed to predict the effect of sequence changes on RNA splicing suggest that this variant may disrupt the consensus splice site. This variant has not been reported in the literature in individuals affected with RASA1-related conditions. This variant is not present in population databases (gnomAD no frequency).

Literature cited by the submitters: PubMed 17576681; PubMed 9536098.

NM_002890.3(RASA1):c.2603+4A>T

Genes: CCNH (cyclin H; minus strand), RASA1 (RAS p21 protein activator 1; plus strand). Cytogenetic location: 5q14.3.
Variant type: single nucleotide variant.
Coding change: c.2603+4A>T on transcript NM_002890.3 (MANE Select); 4 bases into the intron after coding-DNA position 2603, A replaced by T.
Molecular consequence: intron variant.
Genome position (GRCh38, 1-based): chr5:87,379,854, A>T. VCF-style: chr5-87379854-A-T. GRCh37 (hg19) VCF-style: chr5-86675671-A-T.
Other names: c.2072+4A>T (NM_022650.3); c.933+15190T>A (NM_001364075.2).
Identifiers: ClinVar variation 2812194 (VCV002812194.3), dbSNP rs2531360280, ClinGen allele CA2739274960.
Genomic context (GRCh38, chr5:87,379,854, plus strand): 5'-GAACATACTTTCAGAGCTTGTGGAGAAAATATTCATGGCTTCAGAAATACTTCCACCGTA[A>T]GTGGTGAAATTTTCATTTGACAAGAAATTGTGTATCTATGTCTTCAGAAATTTCTATTTC-3'